The following is an entry in ClinVar:

NM_000138.5(FBN1):c.3064G>A (p.Gly1022Arg)

Gene: FBN1 (fibrillin 1; minus strand). Cytogenetic location: 15q21.1.
Variant type: single nucleotide variant.
Coding change: c.3064G>A on transcript NM_000138.5 (MANE Select); coding-DNA position 3064, G replaced by A.
Protein change: p.Gly1022Arg; replaces glycine 1022 with arginine.
Molecular consequence: missense variant.
Genome position (GRCh38, 1-based): chr15:48,489,869, C>T on the plus strand (G>A on the coding strand, the complement: FBN1 is on the minus strand). VCF-style: chr15-48489869-C-T. GRCh37 (hg19) VCF-style: chr15-48782066-C-T.
Other names: c.3064G>A, p.Gly1022Arg (NM_001406716.1); short protein forms G1022R.
Identifiers: ClinVar variation 2044263 (VCV002044263.4), dbSNP rs2505557615, ClinGen allele CA392328913.

ClinVar aggregate classification (germline): Uncertain significance (1 of 4 stars; one submission).

Conditions:
Familial thoracic aortic aneurysm and aortic dissection (TAAD). Also called: Thoracic aortic aneurysms and dissections. Identifiers: Orphanet 91387, MedGen C4707243, MONDO:0019625.
Marfan syndrome (MFS). Also called: MARFAN SYNDROME, TYPE I; Marfan syndrome type 1; Marfan's syndrome; Marfan syndrome, classic; FBN1-Related Marfan Syndrome. Identifiers: Orphanet 284963, Orphanet 558, MedGen C0024796, MONDO:0007947, OMIM 154700.

Submission:

Labcorp Genetics (formerly Invitae), Labcorp
Classification: Uncertain significance for Marfan syndrome; Familial thoracic aortic aneurysm and aortic dissection. Last evaluated: 2022-04-12. Review status: criteria provided, single submitter. Criteria: Invitae Variant Classification Sherloc (09022015). Collection method: clinical testing. Allele origin: germline.
Comment: In summary, the available evidence is currently insufficient to determine the role of this variant in disease. Therefore, it has been classified as a Variant of Uncertain Significance. Advanced modeling of protein sequence and biophysical properties (such as structural, functional, and spatial information, amino acid conservation, physicochemical variation, residue mobility, and thermodynamic stability) performed at Invitae indicates that this missense variant is expected to disrupt FBN1 protein function. This variant has not been reported in the literature in individuals affected with FBN1-related conditions. This variant is not present in population databases (gnomAD no frequency). This sequence change replaces glycine, which is neutral and non-polar, with arginine, which is basic and polar, at codon 1022 of the FBN1 protein (p.Gly1022Arg).